The following is an entry in ClinVar:

ClinVar aggregate classification (germline): Likely benign (1 of 4 stars; one submission).

Allele frequency attached by ClinVar (database versions not stated): gnomAD 0.00020; gnomAD exomes 0.00031; ESP Exome Variant Server 0.00032; ExAC 0.00041; 1000 Genomes Project 0.00060; 1000 Genomes Project 30x 0.00062.
gnomAD v4.1: 472 of 1,610,126 alleles (0.029%); highest among the groups gnomAD compares: South Asian, 0.095%; no homozygotes.

Submission:

CeGaT Center for Human Genetics Tuebingen
Classification: Likely benign. Last evaluated: 2022-05-01. Review status: criteria provided, single submitter. Criteria: CeGaT Center For Human Genetics Tuebingen Variant Classification Criteria Version 2. Collection method: clinical testing. Allele origin: germline. Affected: yes. Observed: 1 variant allele.
Comment: TENM2: BP4, BP7

NM_001395460.1(TENM2):c.8208C>T (p.Thr2736=)

Gene: TENM2 (teneurin transmembrane protein 2; plus strand). Cytogenetic location: 5q34.
Variant type: single nucleotide variant.
Coding change: c.8208C>T on transcript NM_001395460.1 (MANE Select); coding-DNA position 8208, C replaced by T.
Protein change: p.Thr2736=; no amino-acid change (threonine 2736 retained).
Molecular consequence: synonymous variant.
Genome position (GRCh38, 1-based): chr5:168,262,693, C>T. VCF-style: chr5-168262693-C-T. GRCh37 (hg19) VCF-style: chr5-167689698-C-T.
Other names: c.7491C>T, p.Thr2497= (NM_001080428.3); c.8181C>T, p.Thr2727= (NM_001122679.2); c.7731C>T, p.Thr2577= (NM_001368145.1); c.7725C>T, p.Thr2575= (NM_001368146.1).
Identifiers: ClinVar variation 2656033 (VCV002656033.24), dbSNP rs373979082, ClinGen allele CA3548309.